The following is an entry in ClinVar:

NM_000548.5(TSC2):c.482-9C>T

Gene: TSC2 (TSC complex subunit 2; plus strand). Cytogenetic location: 16p13.3.
Variant type: single nucleotide variant.
Coding change: c.482-9C>T on transcript NM_000548.5 (MANE Select); 9 bases into the intron before coding-DNA position 482, C replaced by T.
Molecular consequence: intron variant.
Genome position (GRCh38, 1-based): chr16:2,055,393, C>T. VCF-style: chr16-2055393-C-T. GRCh37 (hg19) VCF-style: chr16-2105394-C-T.
Other names: c.-1166-9C>T (NM_001406693.1); c.572-9C>T (NM_001406667.1, NM_001406668.1); c.-335-9C>T (NM_001406680.1, NM_001406683.1, NM_001406687.1); c.-950-9C>T (NM_001406689.1, NM_001406690.1, NM_001406692.1 and 2 more transcripts); c.-1126-9C>T (NM_001406698.1); c.482-9C>T (NM_001114382.3, NM_001406663.1, NM_001406664.1 and 8 more transcripts); c.-831-9C>T (NM_001406694.1, NM_001406695.1); c.-938-9C>T (NM_001406696.1); and 6 more.
Identifiers: ClinVar variation 3716519 (VCV003716519.3).
Genomic context (GRCh38, chr16:2,055,393, plus strand): 5'-GCGGGAGGGGGAGGTGAGTGGGAGATGTAGATTCGGCGTCCTCGCAAACTGCCGCCGCTT[C>T]TCCCCCAGCTGACTTTGTCCTGCAGTGGATGGATGTTGGCTTGTCCTCGGAATTCCTTCT-3'

ClinVar aggregate classification (germline): Likely benign. Review status: criteria provided, multiple submitters, no conflicts (2 of 4 stars). 2 submissions from 2 submitters: Likely benign (2). Last evaluated 2025-05-07.

Conditions:
Tuberous sclerosis 2 (TSC2). Identifiers: Orphanet 805, MedGen C1860707, MONDO:0013199, OMIM 613254.

gnomAD v4.1: 2 of 1,612,984 alleles (0.00012%); highest among the groups gnomAD compares: South Asian, 0.0022%; no homozygotes.

Submissions (2):

Myriad Genetics, Inc.
Classification: Likely benign for Tuberous sclerosis 2. Last evaluated: 2025-05-07. Review status: criteria provided, single submitter. Criteria: Myriad Autosomal Dominant, Autosomal Recessive and X-Linked Classification Criteria (2023). Collection method: clinical testing. Allele origin: unknown.
Comment: This variant is considered likely benign. This variant is intronic and is not expected to impact mRNA splicing.

Labcorp Genetics (formerly Invitae), Labcorp
Classification: Likely benign for Tuberous sclerosis 2. Last evaluated: 2024-02-18. Review status: criteria provided, single submitter. Criteria: Invitae Variant Classification Sherloc (09022015). Collection method: clinical testing. Allele origin: germline.